The following is an entry in ClinVar:

ClinVar aggregate classification (germline): Likely pathogenic (1 of 4 stars; one submission).

Submission:

CeGaT Center for Human Genetics Tuebingen
Classification: Likely pathogenic. Last evaluated: 2024-01-01. Review status: criteria provided, single submitter. Criteria: CeGaT Center For Human Genetics Tuebingen Variant Classification Criteria Version 2. Collection method: clinical testing. Allele origin: germline. Affected: yes. Observed: 1 variant allele.
Comment: TTN: PVS1:Strong, PM2

NM_001267550.2(TTN):c.97320del (p.Asp32441fs)

Genes: TTN (titin; minus strand), TTN-AS1 (TTN antisense RNA 1; plus strand). Cytogenetic location: 2q31.2.
Variant type: Deletion.
Coding change: c.97320del on transcript NM_001267550.2 (MANE Select); coding-DNA position 97320, one base deleted (T; older notation c.97320delT).
Protein change: p.Asp32441fs; shifts the reading frame from aspartic acid 32441.
Molecular consequence: frameshift variant.
Genome position (GRCh38, 1-based): chr2:178,542,436, A deleted on the plus strand (T on the coding strand, the reverse complement: TTN is on the minus strand). VCF-style (leftmost placement, unchanged base first): chr2-178542435-CA-C. GRCh37 (hg19) VCF-style: chr2-179407162-CA-C.
Other names: c.92397del, p.Asp30800fs (NM_001256850.1); c.70125del, p.Asp23376fs (NM_003319.4); c.89616del, p.Asp29873fs (NM_133378.4); c.70500del, p.Asp23501fs (NM_133432.3); c.70701del, p.Asp23568fs (NM_133437.4); short protein forms D23376fs, D23501fs, D23568fs, D29873fs, D30800fs, D32441fs.
Identifiers: ClinVar variation 3026773 (VCV003026773.22), dbSNP rs2468890429, ClinGen allele CA2740095963.